The following is an entry in ClinVar:

NM_000718.4(CACNA1B):c.2825A>C (p.Asp942Ala)

Gene: CACNA1B (calcium voltage-gated channel subunit alpha1 B; plus strand). Cytogenetic location: 9q34.3.
Variant type: single nucleotide variant.
Coding change: c.2825A>C on transcript NM_000718.4 (MANE Select); coding-DNA position 2825, A replaced by C.
Protein change: p.Asp942Ala; replaces aspartic acid 942 with alanine.
Molecular consequence: missense variant.
Genome position (GRCh38, 1-based): chr9:138,023,568, A>C. VCF-style: chr9-138023568-A-C. GRCh37 (hg19) VCF-style: chr9-140918020-A-C.
Other names: c.2825A>C, p.Asp942Ala (NM_001243812.2); short protein forms D942A.
Identifiers: ClinVar variation 1948773 (VCV001948773.2), dbSNP rs1958878505, ClinGen allele CA375810213.
Genomic context (GRCh38, chr9:138,023,568, plus strand): 5'-GCTCCCCGGAGGAGGCGGCCGAGCGGGAGCCCCGACGCCACCGCGCGCACCGGCACCAGG[A>C]TCCGAGCAAGGAGTGCGCCGGCGCCAAGGGCGAGCGGCGCGCGCGGCACCGCGGCGGCCC-3'
Protein context (NP_000709.1, residues 932-952): PRRHRAHRHQ[Asp942Ala]PSKECAGAKG

ClinVar aggregate classification (germline): Uncertain significance (1 of 4 stars; one submission).

Allele frequency attached by ClinVar (database versions not stated): TOPMed below 0.00001; gnomAD 0.00001; gnomAD exomes 0.00003.
gnomAD v4.1: 33 of 1,091,994 alleles (0.003%); highest among the groups gnomAD compares: Non-Finnish European, 0.0035%; no homozygotes.

Submission:

Labcorp Genetics (formerly Invitae), Labcorp
Classification: Uncertain significance. Last evaluated: 2022-01-06. Review status: criteria provided, single submitter. Criteria: Invitae Variant Classification Sherloc (09022015). Collection method: clinical testing. Allele origin: germline.
Comment: This sequence change replaces aspartic acid, which is acidic and polar, with alanine, which is neutral and non-polar, at codon 942 of the CACNA1B protein (p.Asp942Ala). This variant is not present in population databases (gnomAD no frequency). This variant has not been reported in the literature in individuals affected with CACNA1B-related conditions. Advanced modeling of protein sequence and biophysical properties (such as structural, functional, and spatial information, amino acid conservation, physicochemical variation, residue mobility, and thermodynamic stability) performed at Invitae indicates that this missense variant is not expected to disrupt CACNA1B protein function. In summary, the available evidence is currently insufficient to determine the role of this variant in disease. Therefore, it has been classified as a Variant of Uncertain Significance.